The following is an entry in ClinVar:

ClinVar aggregate classification (germline): Likely pathogenic (1 of 4 stars; one submission).

Conditions:
MADD-related disorder. Also called: MADD-related condition; MADD-Related Disorders.

Allele frequency attached by ClinVar (database versions not stated): ExAC 0.00002.
gnomAD v4.1: 10 of 1,614,262 alleles (0.00062%); highest among the groups gnomAD compares: South Asian, 0.0011%; no homozygotes.

Submission:

PreventionGenetics, part of Exact Sciences
Classification: Likely pathogenic for MADD-related condition. Last evaluated: 2023-02-13. Review status: criteria provided, single submitter. Criteria: ACMG Guidelines, 2015. Collection method: clinical testing. Allele origin: germline.
Comment: The MADD c.568C>T variant is predicted to result in premature protein termination (p.Arg190*). To our knowledge, this variant has not been reported in the literature. This variant is reported in 0.0018% of alleles in individuals of European (Non-Finnish) descent in gnomAD. Nonsense variants in MADD are expected to be pathogenic. This variant is interpreted as likely pathogenic.

NM_001376571.1(MADD):c.568C>T (p.Arg190Ter)

Gene: MADD (MAP kinase activating death domain; plus strand). Cytogenetic location: 11p11.2.
Variant type: single nucleotide variant.
Coding change: c.568C>T on transcript NM_001376571.1 (MANE Select); coding-DNA position 568, C replaced by T.
Protein change: p.Arg190Ter; replaces arginine 190 with a stop codon.
Molecular consequence: nonsense. On other transcripts: non-coding transcript variant (8), intron variant (1).
Genome position (GRCh38, 1-based): chr11:47,275,068, C>T. VCF-style: chr11-47275068-C-T. GRCh37 (hg19) VCF-style: chr11-47296619-C-T.
Other names: c.568C>T, p.Arg190Ter (NM_001376586.1, NM_001376593.1, NM_001376594.1 and 80 more transcripts); c.364C>T, p.Arg122Ter (NM_001376620.1, NM_001376635.1, NM_001376654.1 and 9 more transcripts); c.-7-831C>T (NM_001376663.1); short protein forms R122*, R190*.
Identifiers: ClinVar variation 2630124 (VCV002630124.1), dbSNP rs768316614, ClinGen allele CA5973898.